The following is an entry in ClinVar:

ClinVar aggregate classification (germline): Uncertain significance (1 of 4 stars; one submission).

Conditions:
Tuberous sclerosis 2 (TSC2). Identifiers: Orphanet 805, MedGen C1860707, MONDO:0013199, OMIM 613254.

gnomAD v4.1: 1 of 1,610,912 alleles (0.000062%); highest among the groups gnomAD compares: Non-Finnish European, 0.000085%; no homozygotes.

Submission:

Labcorp Genetics (formerly Invitae), Labcorp
Classification: Uncertain significance for Tuberous sclerosis 2. Last evaluated: 2021-03-28. Review status: criteria provided, single submitter. Criteria: Invitae Variant Classification Sherloc (09022015). Collection method: clinical testing. Allele origin: germline.
Comment: This sequence change replaces glycine with valine at codon 1099 of the TSC2 protein (p.Gly1099Val). The glycine residue is weakly conserved and there is a moderate physicochemical difference between glycine and valine. This variant is not present in population databases (ExAC no frequency). In summary, the available evidence is currently insufficient to determine the role of this variant in disease. Therefore, it has been classified as a Variant of Uncertain Significance. Advanced modeling of protein sequence and biophysical properties (such as structural, functional, and spatial information, amino acid conservation, physicochemical variation, residue mobility, and thermodynamic stability) performed at Invitae indicates that this missense variant is not expected to disrupt TSC2 protein function. This variant has not been reported in the literature in individuals with TSC2-related conditions.

NM_000548.5(TSC2):c.3296G>T (p.Gly1099Val)

Gene: TSC2 (TSC complex subunit 2; plus strand). Cytogenetic location: 16p13.3.
Variant type: single nucleotide variant.
Coding change: c.3296G>T on transcript NM_000548.5 (MANE Select); coding-DNA position 3296, G replaced by T.
Protein change: p.Gly1099Val; replaces glycine 1099 with valine.
Molecular consequence: missense variant.
Genome position (GRCh38, 1-based): chr16:2,079,568, G>T. VCF-style: chr16-2079568-G-T. GRCh37 (hg19) VCF-style: chr16-2129569-G-T.
Other names: c.3164G>T, p.Gly1055Val (NM_001077183.3, NM_001370404.1); c.3296G>T, p.Gly1099Val (NM_001114382.3); c.3056G>T, p.Gly1019Val (NM_001318827.2); c.3020G>T, p.Gly1007Val (NM_001318829.2); c.2564G>T, p.Gly855Val (NM_001318831.2); c.3197G>T, p.Gly1066Val (NM_001318832.2); c.3167G>T, p.Gly1056Val (NM_001363528.2, NM_001370405.1, NM_021055.3); short protein forms G1055V, G1056V, G1099V, G1007V, G1019V, G855V, G1066V.
Identifiers: ClinVar variation 1520827 (VCV001520827.8), dbSNP rs2151444560, ClinGen allele CA394286485.